The following is an entry in ClinVar:

NM_004958.4(MTOR):c.4553C>T (p.Ala1518Val)

Gene: MTOR (mechanistic target of rapamycin kinase; minus strand). Cytogenetic location: 1p36.22.
Variant type: single nucleotide variant.
Coding change: c.4553C>T on transcript NM_004958.4 (MANE Select); coding-DNA position 4553, C replaced by T.
Protein change: p.Ala1518Val; replaces alanine 1518 with valine.
Molecular consequence: missense variant.
Genome position (GRCh38, 1-based): chr1:11,150,143, G>A on the plus strand (C>T on the coding strand, the complement: MTOR is on the minus strand). VCF-style: chr1-11150143-G-A. GRCh37 (hg19) VCF-style: chr1-11210200-G-A.
Other names: c.4553C>T, p.Ala1518Val (NM_001386500.1); c.3305C>T, p.Ala1102Val (NM_001386501.1); short protein forms A1102V, A1518V.
Identifiers: ClinVar variation 2767641 (VCV002767641.3), dbSNP rs1644090444, ClinGen allele CA338369631.

ClinVar aggregate classification (germline): Uncertain significance (1 of 4 stars; one submission).

Allele frequency attached by ClinVar (database versions not stated): TOPMed below 0.00001; gnomAD 0.00001.
gnomAD v4.1: 1 of 1,613,840 alleles (0.000062%); highest among the groups gnomAD compares: Non-Finnish European, 0.000085%; no homozygotes.

Submission:

Labcorp Genetics (formerly Invitae), Labcorp
Classification: Uncertain significance. Last evaluated: 2023-10-16. Review status: criteria provided, single submitter. Criteria: Invitae Variant Classification Sherloc (09022015). Collection method: clinical testing. Allele origin: germline.
Comment: This sequence change replaces alanine, which is neutral and non-polar, with valine, which is neutral and non-polar, at codon 1518 of the MTOR protein (p.Ala1518Val). This variant is not present in population databases (gnomAD no frequency). This variant has not been reported in the literature in individuals affected with MTOR-related conditions. Advanced modeling of protein sequence and biophysical properties (such as structural, functional, and spatial information, amino acid conservation, physicochemical variation, residue mobility, and thermodynamic stability) performed at Invitae indicates that this missense variant is not expected to disrupt MTOR protein function. In summary, the available evidence is currently insufficient to determine the role of this variant in disease. Therefore, it has been classified as a Variant of Uncertain Significance.